The following is an entry in ClinVar:

ClinVar aggregate classification (germline): Uncertain significance (1 of 4 stars; one submission).

Conditions:
Menke-Hennekam syndrome 1 (MKHK1). Identifiers: MedGen C5193034, MONDO:0020763, OMIM 618332.

Submission:

Baylor Genetics
Classification: Uncertain significance for Menke-Hennekam syndrome 1. Last evaluated: 2019-12-13. Review status: criteria provided, single submitter. Criteria: ACMG Guidelines, 2015. Collection method: clinical testing. Allele origin: unknown. Affected: yes.
Comment: This variant was determined to be of uncertain significance according to ACMG Guidelines, 2015 [PMID:25741868].

NM_004380.3(CREBBP):c.7251G>A (p.Arg2417=)

Gene: CREBBP (CREB binding protein; minus strand). Cytogenetic location: 16p13.3.
Variant type: single nucleotide variant.
Coding change: c.7251G>A on transcript NM_004380.3 (MANE Select); coding-DNA position 7251, G replaced by A.
Protein change: p.Arg2417=; no amino-acid change (arginine 2417 retained).
Molecular consequence: synonymous variant.
Genome position (GRCh38, 1-based): chr16:3,727,796, C>T on the plus strand (G>A on the coding strand, the complement: CREBBP is on the minus strand). VCF-style: chr16-3727796-C-T. GRCh37 (hg19) VCF-style: chr16-3777797-C-T.
Other names: c.7137G>A, p.Arg2379= (NM_001079846.1).
Identifiers: ClinVar variation 1030789 (VCV001030789.1), dbSNP rs2051785711, ClinGen allele CA493393145.